The following is an entry in ClinVar:

ClinVar aggregate classification (germline): Uncertain significance (1 of 4 stars; one submission).

Allele frequency attached by ClinVar (database versions not stated): ExAC 0.00001.
gnomAD v4.1: 6 of 1,614,002 alleles (0.00037%); highest among the groups gnomAD compares: Admixed American, 0.0017%; no homozygotes.

Submission:

Labcorp Genetics (formerly Invitae), Labcorp
Classification: Uncertain significance. Last evaluated: 2022-03-31. Review status: criteria provided, single submitter. Criteria: Invitae Variant Classification Sherloc (09022015). Collection method: clinical testing. Allele origin: germline.
Comment: In summary, the available evidence is currently insufficient to determine the role of this variant in disease. Therefore, it has been classified as a Variant of Uncertain Significance. Algorithms developed to predict the effect of missense changes on protein structure and function are either unavailable or do not agree on the potential impact of this missense change (SIFT: "Deleterious"; PolyPhen-2: "Benign"; Align-GVGD: "Class C0"). This variant has not been reported in the literature in individuals affected with KIF20A-related conditions. This variant is present in population databases (rs756314386, gnomAD 0.003%). This sequence change replaces alanine, which is neutral and non-polar, with proline, which is neutral and non-polar, at codon 134 of the KIF20A protein (p.Ala134Pro).

NM_005733.3(KIF20A):c.400G>C (p.Ala134Pro)

Gene: KIF20A (kinesin family member 20A; plus strand). Cytogenetic location: 5q31.2.
Variant type: single nucleotide variant.
Coding change: c.400G>C on transcript NM_005733.3 (MANE Select); coding-DNA position 400, G replaced by C.
Protein change: p.Ala134Pro; replaces alanine 134 with proline.
Molecular consequence: missense variant.
Genome position (GRCh38, 1-based): chr5:138,182,347, G>C. VCF-style: chr5-138182347-G-C. GRCh37 (hg19) VCF-style: chr5-137518036-G-C.
Other names: short protein forms A134P.
Identifiers: ClinVar variation 2113529 (VCV002113529.4), dbSNP rs756314386, ClinGen allele CA3426306.